The following is an entry in ClinVar:

NM_022436.3(ABCG5):c.761C>G (p.Ser254Cys)

Genes: ABCG5 (ATP binding cassette subfamily G member 5; minus strand), DYNC2LI1 (dynein cytoplasmic 2 light intermediate chain 1; plus strand). Cytogenetic location: 2p21.
Variant type: single nucleotide variant.
Coding change: c.761C>G on transcript NM_022436.3 (MANE Select); coding-DNA position 761, C replaced by G.
Protein change: p.Ser254Cys; replaces serine 254 with cysteine.
Molecular consequence: missense variant. On other transcripts: intron variant (2).
Genome position (GRCh38, 1-based): chr2:43,826,395, G>C on the plus strand (C>G on the coding strand, the complement: ABCG5 is on the minus strand). VCF-style: chr2-43826395-G-C. GRCh37 (hg19) VCF-style: chr2-44053534-G-C.
Other names: c.*16-991G>C (NM_001348913.2, NM_001348912.2); short protein forms S254C.
Identifiers: ClinVar variation 3885275 (VCV003885275.1).

ClinVar aggregate classification (germline): Uncertain significance (1 of 4 stars; one submission).

Conditions:
Cardiovascular phenotype. Identifiers: MedGen CN230736.

gnomAD v4.1: 10 of 1,613,912 alleles (0.00062%); highest among the groups gnomAD compares: African/African-American, 0.0067%; no homozygotes.

Submission:

Ambry Genetics
Classification: Uncertain significance for Cardiovascular phenotype. Last evaluated: 2024-12-28. Review status: criteria provided, single submitter. Criteria: Ambry Variant Classification Scheme 2023. Collection method: clinical testing. Allele origin: germline.
Comment: The p.S254C variant (also known as c.761C>G), located in coding exon 6 of the ABCG5 gene, results from a C to G substitution at nucleotide position 761. The serine at codon 254 is replaced by cysteine, an amino acid with dissimilar properties. This amino acid position is conserved. In addition, the in silico prediction for this alteration is inconclusive. Based on the available evidence, the clinical significance of this variant remains unclear.